The following is an entry in ClinVar:

NM_004104.5(FASN):c.966C>T (p.Ile322=)

Gene: FASN (fatty acid synthase; minus strand). Cytogenetic location: 17q25.3.
Variant type: single nucleotide variant.
Coding change: c.966C>T on transcript NM_004104.5 (MANE Select); coding-DNA position 966, C replaced by T.
Protein change: p.Ile322=; no amino-acid change (isoleucine 322 retained).
Molecular consequence: synonymous variant.
Genome position (GRCh38, 1-based): chr17:82,092,518, G>A on the plus strand (C>T on the coding strand, the complement: FASN is on the minus strand). VCF-style: chr17-82092518-G-A. GRCh37 (hg19) VCF-style: chr17-80050394-G-A.
Identifiers: ClinVar variation 531084 (VCV000531084.37), dbSNP rs200366210, ClinGen allele CA8853288.

ClinVar aggregate classification (germline): Benign/Likely benign. Review status: criteria provided, multiple submitters, no conflicts (2 of 4 stars). 4 submissions from 4 submitters: Benign (1); Likely benign (2). 1 of the submissions does not count toward it. Last evaluated 2026-01-25.

Conditions:
Epileptic encephalopathy. Identifiers: MedGen C0543888, HP:0200134.
FASN-related disorder. Also called: FASN-related condition.

Allele frequency attached by ClinVar (database versions not stated): gnomAD 0.00013 and 0.00019; gnomAD exomes 0.00018 and 0.00053; TOPMed 0.00025; ExAC 0.00077; 1000 Genomes Project 0.00120; 1000 Genomes Project 30x 0.00141.
gnomAD v4.1: 287 of 1,604,152 alleles (0.018%); highest among the groups gnomAD compares: East Asian, 0.43%; 1 homozygote.

Submissions (4):

Labcorp Genetics (formerly Invitae), Labcorp
Classification: Benign for Epileptic encephalopathy. Last evaluated: 2026-01-25. Review status: criteria provided, single submitter. Criteria: Invitae Variant Classification Sherloc (09022015). Collection method: clinical testing. Allele origin: germline.

Blueprint Genetics
Classification: Likely benign. Last evaluated: 2024-04-23. Review status: criteria provided, single submitter. Criteria: ACMG Guidelines, 2015. Collection method: clinical testing. Allele origin: germline.

CeGaT Center for Human Genetics Tuebingen
Classification: Likely benign. Last evaluated: 2023-07-01. Review status: criteria provided, single submitter. Criteria: CeGaT Center For Human Genetics Tuebingen Variant Classification Criteria Version 2. Collection method: clinical testing. Allele origin: germline. Affected: yes. Observed: 1 variant allele.
Comment: FASN: BP4, BP7

PreventionGenetics, part of Exact Sciences
Classification: Likely benign for FASN-related condition. Last evaluated: 2019-09-04. Review status: no assertion criteria provided. Collection method: clinical testing. Allele origin: germline. Not counted in ClinVar's aggregate classification.
Comment: This variant is classified as likely benign based on ACMG/AMP sequence variant interpretation guidelines (Richards et al. 2015 PMID: 25741868, with internal and published modifications).